The following is an entry in ClinVar:

ClinVar aggregate classification (germline): Uncertain significance (1 of 4 stars; one submission).

Submission:

Labcorp Genetics (formerly Invitae), Labcorp
Classification: Uncertain significance. Last evaluated: 2024-04-18. Review status: criteria provided, single submitter. Criteria: Invitae Variant Classification Sherloc (09022015). Collection method: clinical testing. Allele origin: germline.
Comment: This sequence change falls in intron 7 of the CTU2 gene. It does not directly change the encoded amino acid sequence of the CTU2 protein. This variant is not present in population databases (gnomAD no frequency). This variant has not been reported in the literature in individuals affected with CTU2-related conditions. Experimental studies and prediction algorithms are not available or were not evaluated, and the effect of this variant on mRNA splicing is currently unknown. In summary, the available evidence is currently insufficient to determine the role of this variant in disease. Therefore, it has been classified as a Variant of Uncertain Significance.

NM_001012759.3(CTU2):c.737+21_737+63dup

Gene: CTU2 (cytosolic thiouridylase subunit 2; plus strand). Cytogenetic location: 16q24.3.
Variant type: Duplication.
Coding change: c.737+21_737+63dup on transcript NM_001012759.3 (MANE Select); bases 21 to 63 of the intron after coding-DNA position 737, 43 bases duplicated.
Molecular consequence: intron variant.
Genome position (GRCh38, 1-based): chr16:88,712,926-88,712,968, 43 bases duplicated; duplicating any 43 consecutive bases within chr16:88,712,916-88,712,968 gives the same sequence; the c. name uses the placement nearest the transcript's 3' end. GRCh37 (hg19): chr16:88,779,334-88,779,376.
Other names: c.737+21_737+63dup (NM_001012762.3); c.476+21_476+63dup (NM_001318513.2); c.950+21_950+63dup (NM_001318507.2).
Identifiers: ClinVar variation 3712899 (VCV003712899.2).